The following is an entry in ClinVar:

NM_153033.5(KCTD7):c.144G>A (p.Glu48=)

Genes: KCTD7 (potassium channel tetramerization domain containing 7; plus strand), LOC129998533 (ATAC-STARR-seq lymphoblastoid silent region 18210; plus strand). Cytogenetic location: 7q11.21.
Variant type: single nucleotide variant.
Coding change: c.144G>A on transcript NM_153033.5 (MANE Select); coding-DNA position 144, G replaced by A.
Protein change: p.Glu48=; no amino-acid change (glutamic acid 48 retained).
Molecular consequence: synonymous variant.
Genome position (GRCh38, 1-based): chr7:66,629,208, G>A. VCF-style: chr7-66629208-G-A. GRCh37 (hg19) VCF-style: chr7-66094195-G-A.
Other names: c.144G>A, p.Glu48= (NM_001167961.2).
Identifiers: ClinVar variation 1396723 (VCV001396723.6), dbSNP rs2116755708, ClinGen allele CA455935475.
Genomic context (GRCh38, chr7:66,629,208, plus strand): 5'-GGAGCCGGCCACGCCGACGGCCACGCAGGCGGGGCACGCGCTGCCCCTGCTGCCACAGGA[G>A]GTACCCGGGCGGGCGGCGGGCCGCGGGGCGTGGGGAGGGGCGCGGGGGAGAAGCGGGCGC-3'
Protein context (NP_694578.1, residues 38-58): AGHALPLLPQ[Glu48=]FPEVVPLNIG

ClinVar aggregate classification (germline): Uncertain significance (1 of 4 stars; one submission).

Conditions:
Progressive myoclonic epilepsy type 3. Also called: EPILEPSY, PROGRESSIVE MYOCLONIC, 3, WITH OR WITHOUT INTRACELLULAR INCLUSIONS; CEROID LIPOFUSCINOSIS, NEURONAL, 14; KCTD7-Related Progressive Myoclonic Epilepsy; EPILEPSY, PROGRESSIVE MYOCLONIC, 3, WITHOUT INTRACELLULAR INCLUSIONS. Identifiers: Orphanet 263516, MedGen C2673257, MONDO:0012721, OMIM 611726.

Submission:

Labcorp Genetics (formerly Invitae), Labcorp
Classification: Uncertain significance for Progressive myoclonic epilepsy type 3. Last evaluated: 2021-12-10. Review status: criteria provided, single submitter. Criteria: Invitae Variant Classification Sherloc (09022015). Collection method: clinical testing. Allele origin: germline.
Comment: In summary, the available evidence is currently insufficient to determine the role of this variant in disease. Therefore, it has been classified as a Variant of Uncertain Significance. Variants that disrupt the consensus splice site are a relatively common cause of aberrant splicing (PMID: 17576681, 9536098). Algorithms developed to predict the effect of sequence changes on RNA splicing suggest that this variant may disrupt the consensus splice site. This variant has not been reported in the literature in individuals affected with KCTD7-related conditions. This variant is not present in population databases (gnomAD no frequency). This sequence change affects codon 48 of the KCTD7 mRNA. It is a 'silent' change, meaning that it does not change the encoded amino acid sequence of the KCTD7 protein. This variant also falls at the last nucleotide of exon 1, which is part of the consensus splice site for this exon.

Literature cited by the submitters: PubMed 17576681; PubMed 9536098.